The following is an entry in ClinVar:

NM_001048174.2(MUTYH):c.1079T>C (p.Leu360Pro)

Gene: MUTYH (mutY DNA glycosylase; minus strand). Cytogenetic location: 1p34.1.
Variant type: single nucleotide variant.
Coding change: c.1079T>C on transcript NM_001048174.2 (MANE Select); coding-DNA position 1079, T replaced by C.
Protein change: p.Leu360Pro; replaces leucine 360 with proline.
Molecular consequence: missense variant. On other transcripts: non-coding transcript variant (2).
Genome position (GRCh38, 1-based): chr1:45,331,684, A>G on the plus strand (T>C on the coding strand, the complement: MUTYH is on the minus strand). VCF-style: chr1-45331684-A-G. GRCh37 (hg19) VCF-style: chr1-45797356-A-G.
Other names: c.1079T>C, p.Leu360Pro (NM_001048171.2, NM_001048173.2, NM_001293195.2); c.1082T>C, p.Leu361Pro (NM_001048172.2); c.1163T>C, p.Leu388Pro (NM_001128425.2); c.1124T>C, p.Leu375Pro (NM_001293190.2); c.1112T>C, p.Leu371Pro (NM_001293191.2); c.803T>C, p.Leu268Pro (NM_001293192.2, NM_001293196.2); c.734T>C, p.Leu245Pro (NM_001350650.2, NM_001350651.2); c.1154T>C, p.Leu385Pro (NM_012222.3); short protein forms L388P, L361P, L245P, L268P, L375P, L385P, L360P, L371P.
Identifiers: ClinVar variation 406845 (VCV000406845.31), dbSNP rs1060501335, ClinGen allele CA16610175.

ClinVar aggregate classification (germline): Pathogenic/Likely pathogenic. Review status: criteria provided, multiple submitters, no conflicts (2 of 4 stars). 9 submissions from 9 submitters: Pathogenic (5); Likely pathogenic (4). Last evaluated 2025-10-14.

Conditions:
MUTYH-related disorder. Also called: MUTYH-related disorders; MUTYH-related condition.
Hereditary cancer-predisposing syndrome. Also called: Neoplastic Syndromes, Hereditary; Tumor predisposition; Hereditary Cancer Syndrome; Hereditary neoplastic syndrome. Identifiers: Orphanet 140162, MedGen C0027672, MeSH D009386, MONDO:0015356.
Familial adenomatous polyposis 2. Also called: FAP type 2; Adenomas, multiple colorectal; MUTYH-related attenuated familial adenomatous polyposis; MYH-associated polyposis; ADENOMAS, MULTIPLE COLORECTAL, AUTOSOMAL RECESSIVE; COLORECTAL ADENOMATOUS POLYPOSIS, AUTOSOMAL RECESSIVE. Identifiers: Orphanet 220460, Orphanet 247798, MedGen C3272841, MONDO:0012041, OMIM 608456.

Allele frequency attached by ClinVar (database versions not stated): TOPMed below 0.00001; gnomAD exomes 0.00001.

Submissions (9):

Labcorp Genetics (formerly Invitae), Labcorp
Classification: Pathogenic for Familial adenomatous polyposis 2. Last evaluated: 2025-10-14. Review status: criteria provided, single submitter. Criteria: Invitae Variant Classification Sherloc (09022015). Collection method: clinical testing. Allele origin: germline.
Comment: This sequence change replaces leucine, which is neutral and non-polar, with proline, which is neutral and non-polar, at codon 388 of the MUTYH protein (p.Leu388Pro). This variant is not present in population databases (gnomAD no frequency). This missense change has been observed in individual(s) with adenomatous polyposis (PMID: 16134147, 16941501, 17949294). In at least one individual the data is consistent with being in trans (on the opposite chromosome) from a pathogenic variant. This variant is also known as c.1121 T>C, p.Leu374Pro, and p.L360P. ClinVar contains an entry for this variant (Variation ID: 406845). An algorithm developed to predict the effect of missense changes on protein structure and function (PolyPhen-2) suggests that this variant is likely to be disruptive. Experimental studies have shown that this missense change affects MUTYH function (PMID: 20848659, 23322991, 25820570). For these reasons, this variant has been classified as Pathogenic.

Color Diagnostics, LLC DBA Color Health
Classification: Likely pathogenic for Hereditary cancer-predisposing syndrome. Last evaluated: 2025-06-30. Review status: criteria provided, single submitter. Criteria: ACMG Guidelines, 2015. Collection method: clinical testing. Allele origin: germline.
Comment: This missense variant replaces leucine with proline at codon 388 of the MUTYH protein. This variant is also known as p.Leu360Pro and p.Leu374Pro based on alternate transcripts. Computational prediction suggests that this variant may have deleterious impact on protein structure and function. Functional studies have shown that this variant impairs DNA glycosylase activity (PMID: 20848659) and ability to suppress spontaneous mutation (PMID: 23322991, 25820570). This variant has been reported in compound heterozygosity with known pathogenic mutations in multiple individuals affected with adenomatous polyposis (PMID: 16134147, 16941501, 26511139). This variant has not been identified in the general population by the Genome Aggregation Database (gnomAD). Based on the available evidence, this variant is classified as Likely Pathogenic.

Baylor Genetics
Classification: Pathogenic for Familial adenomatous polyposis 2. Last evaluated: 2024-01-17. Review status: criteria provided, single submitter. Criteria: ACMG Guidelines, 2015. Collection method: clinical testing. Allele origin: unknown.

Department of Pathology and Laboratory Medicine, Sinai Health System
Classification: Likely pathogenic for Familial adenomatous polyposis 2. Last evaluated: 2023-08-15. Review status: criteria provided, single submitter. Criteria: ACMG Guidelines, 2015. Collection method: clinical testing. Allele origin: germline. Affected: yes.

GeneDx
Classification: Pathogenic. Last evaluated: 2023-07-10. Review status: criteria provided, single submitter. Criteria: GeneDx Variant Classification Process June 2021. Collection method: clinical testing. Allele origin: germline. Affected: yes.
Comment: Published functional studies demonstrate a damaging effect: severely impaired glycosylase activity, base excision repair activity, and suppression of oxidative mutagenesis (Goto et al., 2010; Shinmura et al., 2012; Komine et al., 2015); Co-observed, phase unspecified, with a MUTYH nonsense variant in an individual with multiple colon polyps (Lejeune et al., 2006); Not observed at significant frequency in large population cohorts (gnomAD); In silico analysis supports that this missense variant has a deleterious effect on protein structure/function; Also reported as c.1121T>C p.Leu374Pro using nomenclature from the alternate transcript NM_001048171; This variant is associated with the following publications: (PMID: 23108399, 26511139, 25820570, 23605219, 21777424, 23507534, 25124163, 23322991, 20848659, 19725997, 17949294, 16134147, 16941501)

Ambry Genetics
Classification: Pathogenic for Hereditary cancer-predisposing syndrome. Last evaluated: 2023-04-20. Review status: criteria provided, single submitter. Criteria: Ambry Variant Classification Scheme 2023. Collection method: clinical testing. Allele origin: germline.
Comment: The p.L388P pathogenic mutation (also known as c.1163T>C), located in coding exon 12 of the MUTYH gene, results from a T to C substitution at nucleotide position 1163. The leucine at codon 388 is replaced by proline, an amino acid with similar properties. This alteration has been identified in one individual with approximately 40 colorectal adenomas in conjunction with a pathogenic founder mutation in MUTYH; the authors report this patient had no detectable APC mutation and that family studies confirmed these MUTYH alterations to be in trans, but did not provide further details (Aceto G et al. Hum. Mutat. 2005 Oct; 26(4):394). This alteration has been identified in several other individuals with multiple polyps; however, phase was not determined and specific clinical information including polyp count was not provided (Lejeune S et al. Hum. Mutat. 2006 Oct; 27(10):1064; Olschwang S et al. Genet. Test. 2007; 11(3):315-20). This alteration has also been detected in conjunction with another pathogenic mutation in MUTYH by our laboratory, but phase is unknown (Ambry internal data). Various functional assays designed to measure base excision repair function have found this alteration to result in a severely deficient protein (Goto M et al. Hum. Mutat. 2010 Nov; 31(11):E1861-74; Shinmura K et al. World J. Gastroenterol. 2012 Dec; 18(47):6935-42; Komine K et al. Hum. Mutat. 2015 Jul; 36(7):704-11). Of note, this alteration is also designated as p.L360P and p.L374P in published literature. This variant was not reported in population-based cohorts in the Genome Aggregation Database (gnomAD). This amino acid position is highly conserved in available vertebrate species. In addition, this alteration is predicted to be deleterious by in silico analysis. Based on the supporting evidence, this alteration is interpreted as a disease-causing mutation.

Blueprint Genetics
Classification: Likely pathogenic for MUTYH-related disorders. Last evaluated: 2022-06-07. Review status: criteria provided, single submitter. Criteria: ACMG Guidelines, 2015. Collection method: clinical testing. Allele origin: germline. Affected: yes. Observed: 1 variant allele.

Women's Health and Genetics/Laboratory Corporation of America, LabCorp
Classification: Likely pathogenic for Familial adenomatous polyposis 2. Last evaluated: 2021-07-26. Review status: criteria provided, single submitter. Criteria: LabCorp Variant Classification Summary - May 2015. Collection method: clinical testing. Allele origin: germline.
Comment: Variant summary: MUTYH c.1163T>C (p.Leu388Pro) results in a non-conservative amino acid change located in the NUDIX hydrolase domain (IPR000086) of the encoded protein sequence. Five of five in-silico tools predict a damaging effect of the variant on protein function. The variant was absent in 250094 control chromosomes (gnomAD and publications). c.1163T>C has been reported in the literature in compound heterozygous individuals affected with MUTYH-Associated Polyposis (e.g. Aceto_2005, Lejeune_2006). These data indicate that the variant is likely to be associated with disease. Experimental evidence demonstrated the variant severely impacts protein activity (e.g. Goto_2010, Shinmura_2012, Komine_2015). Three ClinVar submitters (evaluation after 2014) cite the variant as pathogenic/likely pathogenic. Based on the evidence outlined above, the variant was classified as likely pathogenic.

Sema4
Classification: Pathogenic for Hereditary cancer-predisposing syndrome. Last evaluated: 2021-07-14. Review status: criteria provided, single submitter. Criteria: Sema4 Curation Guidelines. Collection method: curation. Allele origin: germline.
Comment: The MUTYH c.1163T>C (p.L388P) variant has been reported in at least 3 individuals with attenuated familial adenomatous polyposis (AFAP) and multiple polyposis with no detectable APC variants (PMIDs 16134147, 17949294, 16941501). Two of these individuals had additional MUTYH variants in trans (PMIDs 16134147 and 16941501). The variant is also known as p.L374P and p.L360P in literature. This variant was not observed in the large and broad cohorts of the Genome Aggregation Database (PMID: 32461654). This variant has been reported in ClinVar (Variation ID 406845). In silico tools suggest the impact of the variant on protein function is deleterious, and these predictions have been confirmed by functional studies indicating severe defect in base excision function and mutation suppressive activities in E.coli and human cell lines (PMIDs 20848659, 23322991, 25820570). Based on the current evidence available, this variant is interpreted as pathogenic.

Literature cited by the submitters: PubMed 16134147 (cited by 5 submitters); PubMed 16941501 (cited by 5 submitters); PubMed 17949294 (cited by 4 submitters); PubMed 20848659 (cited by 5 submitters); PubMed 23322991 (cited by 5 submitters); PubMed 25820570 (cited by 5 submitters); PubMed 26511139 (cited by Color Diagnostics, LLC DBA Color Health); PubMed 23605219 (cited by Ambry Genetics).